The following is an entry in ClinVar:

NM_198880.3:c.309+9376_1339-2808dup

Gene: QRICH1 (glutamine rich 1; minus strand).
Variant type: Duplication.
Other names: c.309+9376_1339-2808dup (NM_198880.3).
Identifiers: ClinVar variation 3235950 (VCV003235950.1).

ClinVar aggregate classification (germline): Likely pathogenic (1 of 4 stars; one submission).

Conditions:
Ververi-Brady syndrome. Identifiers: MedGen C4693824, MONDO:0979877, MONDO:0060707.

Submission:

New York Genome Center
Classification: Likely pathogenic for Ververi-Brady syndrome 1. Last evaluated: 2023-01-26. Review status: criteria provided, single submitter. Criteria: NYGC Assertion Criteria 2020. Collection method: clinical testing. Allele origin: de novo. Affected: yes. Observed: 1 variant allele. Study: PrenatalSEQ.
Comment: This 17.28 kb duplication in QRICH1 has not previously been reported in the literature or public variant repositories (ClinVar and LOVD), and is absent from population databases (gnomAD SVs v2.1and DGV), suggesting it is not a common benign variant in the populations represented in those databases. The duplication is apparently tandem per split reads spanning the breakpoints, and it encompasses the entire exon 3 and parts of introns 2 and 3 of this 9-exon gene. Should only exon 3 of this duplication is incorporated in the transcription, the open reading frame would be preserved but the protein length would increase by ~45%, however, the open reading frame might be disrupted should additional genomic sequences are also incorporated in the transcription which might result in loss-of-function via nonsense mediated decay. Based on available evidence this de novo intragenic tandem duplication in QRICH1 is classified as Likely pathogenic.